The following is an entry in ClinVar:

NM_145059.3(FCSK):c.1558del (p.Arg520fs)

Gene: FCSK (fucose kinase; plus strand). Cytogenetic location: 16q22.1.
Variant type: Deletion.
Coding change: c.1558del on transcript NM_145059.3 (MANE Select); coding-DNA position 1558, one base deleted (C; older notation c.1558delC).
Protein change: p.Arg520fs; shifts the reading frame from arginine 520.
Molecular consequence: frameshift variant.
Genome position (GRCh38, 1-based): chr16:70,473,134, C deleted. VCF-style (leftmost placement, unchanged base first): chr16-70473133-GC-G. GRCh37 (hg19) VCF-style: chr16-70507036-GC-G.
Other names: short protein forms R520fs.
Identifiers: ClinVar variation 4846794 (VCV004846794.1).

ClinVar aggregate classification (germline): Uncertain significance (1 of 4 stars; one submission).

Conditions:
Congenital disorder of glycosylation with defective fucosylation 2 (CDGF2). Identifiers: MedGen C5193028, MONDO:0020777, OMIM 618324.

Submission:

Laboratorio de Genetica e Diagnostico Molecular, Hospital Israelita Albert Einstein
Classification: Uncertain significance for Congenital disorder of glycosylation with defective fucosylation 2. Last evaluated: 2025-07-03. Review status: criteria provided, single submitter. Criteria: ACMG Guidelines, 2015. Collection method: clinical testing. Allele origin: germline. Affected: yes.
Comment: ACMG classification criteria: PVS1 moderate, PM2 supporting